The following is an entry in ClinVar:

ClinVar aggregate classification (germline): Pathogenic (1 of 4 stars; one submission).

Conditions:
Macrothrombocytopenia and granulocyte inclusions with or without nephritis or sensorineural hearing loss (MATINS). Also called: MACROTHROMBOCYTOPENIA WITH LEUKOCYTE INCLUSIONS; BLEEDING DISORDER, PLATELET-TYPE, 6; MAY-HEGGLIN ANOMALY; DOHLE LEUKOCYTE INCLUSIONS WITH GIANT PLATELETS; SEBASTIAN PLATELET SYNDROME; MACROTHROMBOCYTOPENIA WITH DISPERSED LEUKOCYTIC INCLUSIONS. Identifiers: Orphanet 182050, MedGen C5200934, MONDO:0015912, OMIM 155100.

Submission:

Women's Health and Genetics/Laboratory Corporation of America, LabCorp
Classification: Pathogenic for Macrothrombocytopenia and granulocyte inclusions with or without nephritis or sensorineural hearing loss. Last evaluated: 2025-11-26. Review status: criteria provided, single submitter. Criteria: LabCorp Variant Classification Summary - May 2015. Collection method: clinical testing. Allele origin: germline.
Comment: Variant summary: MYH9 c.250delG (p.Glu84ArgfsX78) results in a premature termination codon, predicted to cause a truncation of the encoded protein or absence of the protein due to nonsense mediated decay, which are commonly known mechanisms for disease. The variant was absent in 251458 control chromosomes. To our knowledge, no occurrence of c.250delG in individuals affected with MYH9-related conditions and no experimental evidence demonstrating its impact on protein function have been reported. No submitters have cited clinical-significance assessments for this variant to ClinVar. Based on the evidence outlined above, the variant was classified as pathogenic.

NM_002473.6(MYH9):c.250del (p.Glu84fs)

Gene: MYH9 (myosin heavy chain 9; minus strand). Cytogenetic location: 22q12.3.
Variant type: Deletion.
Coding change: c.250del on transcript NM_002473.6 (MANE Select); coding-DNA position 250, one base deleted (G; older notation c.250delG).
Protein change: p.Glu84fs; shifts the reading frame from glutamic acid 84.
Molecular consequence: frameshift variant.
Genome position (GRCh38, 1-based): chr22:36,348,987, C deleted on the plus strand (G on the coding strand, the reverse complement: MYH9 is on the minus strand); the first of 2 consecutive C bases (chr22:36,348,987-36,348,988); deleting either gives the same sequence. VCF-style (leftmost placement, unchanged base first): chr22-36348986-TC-T. GRCh37 (hg19) VCF-style: chr22-36745031-TC-T.
Other names: c.250delG (NM_002473.6); short protein forms E84fs.
Identifiers: ClinVar variation 4537177 (VCV004537177.1).
Genomic context (GRCh38, chr22:36,348,986, plus strand): 5'-CGCTCCTTGAGGTTGTGCAGCACCGAGGCTTCGTTGAGGCACGTGAGCTCTGCCATGTCC[TC>T]CACCTTGGAGAACTTGGGCGGGTTCATCTTCTGGATGTCATCCTTGTTCACCTTCACCTT-3'